The following is an entry in ClinVar:

ClinVar aggregate classification (germline): Likely pathogenic (1 of 4 stars; one submission).

Conditions:
Split hand-foot malformation 6. Also called: ECTRODACTYLY, AUTOSOMAL RECESSIVE. Identifiers: Orphanet 2440, MedGen C2749665, MONDO:0009157, OMIM 225300.

Allele frequency attached by ClinVar (database versions not stated): gnomAD exomes 0.00001.

Submission:

Genetics and Molecular Pathology, SA Pathology
Classification: Likely pathogenic for Split hand-foot malformation 6. Last evaluated: 2022-09-20. Review status: criteria provided, single submitter. Criteria: ACMG Guidelines, 2015. Collection method: clinical testing. Allele origin: germline. Inheritance: Autosomal recessive inheritance. Affected: yes.
Comment: The WNT10B c.115G>T variant is classified as a LIKELY PATHOGENIC (PVS1, PM2) This variant is a single nucleotide change which is predicted to result in premature termination of the protein product at codon 39. This is a nonsense variant in the WNT10B gene where loss of function is a common mechanism of disease (PVS1). The variant has not been reported in dbSNP and is absent from population databases (PM2). The variant has not been reported in the ClinVar or HGMD disease databases. *The WNT10B gene is consistent with AR inheritance in individuals affected with split-hand/foot symptoms. However, a heterozygous WNT10B variant previously detected in a family member affected with a mild form of bilateral split feet, suggesting a dose-effect of the WNT10B loss-of-funtion (PMID: 31050392). Therefore, clinical review is recommended.

Literature cited by the submitters: PubMed 31050392.

NM_003394.4(WNT10B):c.115G>T (p.Glu39Ter)

Gene: WNT10B (Wnt family member 10B; minus strand). Cytogenetic location: 12q13.12.
Variant type: single nucleotide variant.
Coding change: c.115G>T on transcript NM_003394.4 (MANE Select); coding-DNA position 115, G replaced by T.
Protein change: p.Glu39Ter; replaces glutamic acid 39 with a stop codon.
Molecular consequence: nonsense.
Genome position (GRCh38, 1-based): chr12:48,970,311, C>A on the plus strand (G>T on the coding strand, the complement: WNT10B is on the minus strand). VCF-style: chr12-48970311-C-A. GRCh37 (hg19) VCF-style: chr12-49364094-C-A.
Other names: short protein forms E39*.
Identifiers: ClinVar variation 2664721 (VCV002664721.1), dbSNP rs2137615131, ClinGen allele CA384683065.
Genomic context (GRCh38, chr12:48,970,311, plus strand): 5'-GCTGCCGCTTGCTCAGGCCGGACAGCGTCAAGCACACGGTGTTGGCCGTCAGCGGCGGCT[C>A]GCCAGGCAACTTCAGGCCCAGAATCTCATTGCTTAGAGCCCTGGGAACCAAGAAGGCGTC-3'